The following is an entry in ClinVar:

NM_032188.3(KAT8):c.164_165delinsA (p.Val55fs)

Gene: KAT8 (lysine acetyltransferase 8; plus strand). Cytogenetic location: 16p11.2.
Variant type: Indel.
Coding change: c.164_165delinsA on transcript NM_032188.3 (MANE Select); coding-DNA positions 164 to 165, TG replaced by A.
Protein change: p.Val55fs; shifts the reading frame from valine 55.
Molecular consequence: frameshift variant.
Genome position (GRCh38, 1-based): chr16:31,117,845-31,117,846, TG replaced by A. VCF-style: chr16-31117845-TG-A. GRCh37 (hg19) VCF-style: chr16-31129166-TG-A.
Other names: c.164_165delinsA, p.Val55fs (NM_182958.4); short protein forms V55fs.
Identifiers: ClinVar variation 3600589 (VCV003600589.1).
Genomic context (GRCh38, chr16:31,117,845, plus strand): 5'-CCCCATCCCCGGGCCGCGTCTCTCCGCCGACCCCGGCGCGCGGCGAGCCGGAAGTCACGG[TG>A]GAGATCGGAGAAACGTACCTGTGCCGGCGACCGGATAGCACCTGGCGTGAGGGCGGGGCC-3'

ClinVar aggregate classification (germline): Uncertain significance (1 of 4 stars; one submission).

Submission:

GeneDx
Classification: Uncertain significance. Last evaluated: 2024-07-26. Review status: criteria provided, single submitter. Criteria: GeneDx Variant Classification Process June 2021. Collection method: clinical testing. Allele origin: germline. Affected: yes.
Comment: Not observed at significant frequency in large population cohorts (gnomAD); Frameshift variant predicted to result in protein truncation or nonsense mediated decay in a gene or region of a gene for which loss of function is not a well-established mechanism of disease; Has not been previously published as pathogenic or benign to our knowledge